The following is an entry in ClinVar:

ClinVar aggregate classification (germline): Uncertain significance. Review status: criteria provided, multiple submitters, no conflicts (2 of 4 stars). 4 submissions from 4 submitters: Uncertain significance (4). Last evaluated 2026-01-05.

Conditions:
Hereditary diffuse gastric adenocarcinoma (HDGC). Also called: DIFFUSE GASTRIC AND LOBULAR BREAST CANCER SYNDROME. Identifiers: Orphanet 26106, MedGen C1708349, MONDO:0007648, OMIM 137215.
Hereditary cancer-predisposing syndrome. Also called: Neoplastic Syndromes, Hereditary; Hereditary neoplastic syndrome; Tumor predisposition; Hereditary Cancer Syndrome. Identifiers: Orphanet 140162, MedGen C0027672, MeSH D009386, MONDO:0015356.

Allele frequency attached by ClinVar (database versions not stated): gnomAD below 0.00001 and 0.00001; ExAC 0.00001.
gnomAD v4.1: 14 of 1,613,878 alleles (0.00087%); highest among the groups gnomAD compares: South Asian, 0.013%; no homozygotes.

Submissions (4):

Labcorp Genetics (formerly Invitae), Labcorp
Classification: Uncertain significance for Hereditary diffuse gastric adenocarcinoma. Last evaluated: 2026-01-05. Review status: criteria provided, single submitter. Criteria: Invitae Variant Classification Sherloc (09022015). Collection method: clinical testing. Allele origin: germline.
Comment: This sequence change replaces serine, which is neutral and polar, with proline, which is neutral and non-polar, at codon 853 of the CDH1 protein (p.Ser853Pro). This variant is present in population databases (rs765978401, gnomAD 0.006%). This variant has not been reported in the literature in individuals affected with CDH1-related conditions. ClinVar contains an entry for this variant (Variation ID: 532465). An algorithm developed to predict the effect of missense changes on protein structure and function (PolyPhen-2) suggests that this variant is likely to be disruptive. In summary, the available evidence is currently insufficient to determine the role of this variant in disease. Therefore, it has been classified as a Variant of Uncertain Significance.

GeneDx
Classification: Uncertain significance. Last evaluated: 2024-07-29. Review status: criteria provided, single submitter. Criteria: GeneDx Variant Classification Process June 2021. Collection method: clinical testing. Allele origin: germline. Affected: yes.
Comment: Not observed at a significant frequency in large population cohorts (gnomAD); In silico analysis supports that this missense variant has a deleterious effect on protein structure/function; Has not been previously published as pathogenic or benign to our knowledge; This variant is associated with the following publications: (PMID: 15235021, 22850631, 33929593)

Ambry Genetics
Classification: Uncertain significance for Hereditary cancer-predisposing syndrome. Last evaluated: 2024-01-18. Review status: criteria provided, single submitter. Criteria: Ambry Variant Classification Scheme 2023. Collection method: clinical testing. Allele origin: germline.
Comment: The p.S853P variant (also known as c.2557T>C), located in coding exon 16 of the CDH1 gene, results from a T to C substitution at nucleotide position 2557. The serine at codon 853 is replaced by proline, an amino acid with similar properties. This amino acid position is not well conserved in available vertebrate species. In addition, the in silico prediction for this alteration is inconclusive. Since supporting evidence is limited at this time, the clinical significance of this alteration remains unclear.

Color Diagnostics, LLC DBA Color Health
Classification: Uncertain significance for Hereditary cancer-predisposing syndrome. Last evaluated: 2020-10-20. Review status: criteria provided, single submitter. Criteria: ACMG Guidelines, 2015. Collection method: clinical testing. Allele origin: germline.
Comment: This missense variant replaces serine with proline at codon 853 of the CDH1 protein. To our knowledge, functional studies have not been reported for this variant. This variant has not been reported in individuals affected with hereditary cancer in the literature. This variant has been identified in 1/251486 chromosomes in the general population by the Genome Aggregation Database (gnomAD). The available evidence is insufficient to determine the role of this variant in disease conclusively. Therefore, this variant is classified as a Variant of Uncertain Significance.

NM_004360.5(CDH1):c.2557T>C (p.Ser853Pro)

Gene: CDH1 (cadherin 1; plus strand). Cytogenetic location: 16q22.1.
Variant type: single nucleotide variant.
Coding change: c.2557T>C on transcript NM_004360.5 (MANE Select); coding-DNA position 2557, T replaced by C.
Protein change: p.Ser853Pro; replaces serine 853 with proline.
Molecular consequence: missense variant.
Genome position (GRCh38, 1-based): chr16:68,833,407, T>C. VCF-style: chr16-68833407-T-C. GRCh37 (hg19) VCF-style: chr16-68867310-T-C.
Other names: c.2374T>C, p.Ser792Pro (NM_001317184.2); c.1009T>C, p.Ser337Pro (NM_001317185.2); c.592T>C, p.Ser198Pro (NM_001317186.2); c.2557T>C (LRG_301t1); short protein forms S853P, S198P, S792P, S337P.
Identifiers: ClinVar variation 532465 (VCV000532465.18), dbSNP rs765978401, ClinGen allele CA8130310.